The following is an entry in ClinVar:

ClinVar aggregate classification (germline): Uncertain significance (1 of 4 stars; one submission).

Conditions:
Ataxia-telangiectasia syndrome (AT). Also called: LOUIS-BAR SYNDROME; Cerebello-oculocutaneous telangiectasia; Immunodeficiency with ataxia telangiectasia; ATAXIA-TELANGIECTASIA, COMPLEMENTATION GROUP A; ATAXIA-TELANGIECTASIA, FRESNO VARIANT; Ataxia-telangiectasia, complementation group D. Identifiers: Orphanet 100, MedGen C0004135, MONDO:0008840, OMIM 208900.

Allele frequency attached by ClinVar (database versions not stated): gnomAD exomes below 0.00001; ExAC 0.00001.
gnomAD v4.1: 2 of 1,613,386 alleles (0.00012%); highest among the groups gnomAD compares: Non-Finnish European, 0.00017%; no homozygotes.

Submission:

Labcorp Genetics (formerly Invitae), Labcorp
Classification: Uncertain significance for Ataxia-telangiectasia syndrome. Last evaluated: 2021-03-10. Review status: criteria provided, single submitter. Criteria: Invitae Variant Classification Sherloc (09022015). Collection method: clinical testing. Allele origin: germline.
Comment: This sequence change replaces glycine with serine at codon 1818 of the ATM protein (p.Gly1818Ser). The glycine residue is highly conserved and there is a small physicochemical difference between glycine and serine. This variant is present in population databases (rs774784546, ExAC 0.001%). This variant has not been reported in the literature in individuals with ATM-related conditions. Advanced modeling of protein sequence and biophysical properties (such as structural, functional, and spatial information, amino acid conservation, physicochemical variation, residue mobility, and thermodynamic stability) performed at Invitae indicates that this missense variant is not expected to disrupt ATM protein function. In summary, the available evidence is currently insufficient to determine the role of this variant in disease. Therefore, it has been classified as a Variant of Uncertain Significance.

NM_000051.4(ATM):c.5452G>A (p.Gly1818Ser)

Gene: ATM (ATM serine/threonine kinase; plus strand). Cytogenetic location: 11q22.3.
Variant type: single nucleotide variant.
Coding change: c.5452G>A on transcript NM_000051.4 (MANE Select); coding-DNA position 5452, G replaced by A.
Protein change: p.Gly1818Ser; replaces glycine 1818 with serine.
Molecular consequence: missense variant.
Genome position (GRCh38, 1-based): chr11:108,302,985, G>A. VCF-style: chr11-108302985-G-A. GRCh37 (hg19) VCF-style: chr11-108173712-G-A.
Other names: c.5452G>A, p.Gly1818Ser (NM_001351834.2); short protein forms G1818S.
Identifiers: ClinVar variation 1411151 (VCV001411151.7), dbSNP rs774784546, ClinGen allele CA6265700.
Genomic context (GRCh38, chr11:108,302,985, plus strand): 5'-CTAAGTGAAAATCATGACATTTGGATAAAGACACTGACTTGTGCTTTTTTGGACAGTGGA[G>A]GCACAAAATGTGAAATTCTTCAATTATTAAAGCCAATGTGTGAAGTAAGAAGATTAATTA-3'
Protein context (NP_000042.3, residues 1808-1828): TLTCAFLDSG[Gly1818Ser]TKCEILQLLK